The following is an entry in ClinVar:

NM_207037.2(TCF12):c.1867G>T (p.Glu623Ter)

Gene: TCF12 (transcription factor 12; plus strand). Cytogenetic location: 15q21.3.
Variant type: single nucleotide variant.
Coding change: c.1867G>T on transcript NM_207037.2 (MANE Select); coding-DNA position 1867, G replaced by T.
Protein change: p.Glu623Ter; replaces glutamic acid 623 with a stop codon.
Molecular consequence: nonsense.
Genome position (GRCh38, 1-based): chr15:57,273,151, G>T. VCF-style: chr15-57273151-G-T. GRCh37 (hg19) VCF-style: chr15-57565349-G-T.
Other names: c.1357G>T, p.Glu453Ter (NM_001306219.3); c.1087G>T, p.Glu363Ter (NM_001306220.3); c.1867G>T, p.Glu623Ter (NM_001322151.2, NM_001322159.3, NM_001322162.2 and 1 more transcripts); c.1864G>T, p.Glu622Ter (NM_001322152.2, NM_001322161.2); c.1210G>T, p.Glu404Ter (NM_001322154.2); c.1693G>T, p.Glu565Ter (NM_001322156.2); c.1795G>T, p.Glu599Ter (NM_001322157.3, NM_001322165.2, NM_003205.4 and 1 more transcripts); c.1621G>T, p.Glu541Ter (NM_001322158.2); and 2 more; short protein forms E429*, E453*, E599*, E611*, E622*, E363*, E565*, E623*.
Identifiers: ClinVar variation 2152246 (VCV002152246.4), dbSNP rs2551501285, ClinGen allele CA392592743.

ClinVar aggregate classification (germline): Pathogenic (1 of 4 stars; one submission).

Submission:

Labcorp Genetics (formerly Invitae), Labcorp
Classification: Pathogenic. Last evaluated: 2022-07-14. Review status: criteria provided, single submitter. Criteria: Invitae Variant Classification Sherloc (09022015). Collection method: clinical testing. Allele origin: germline.
Comment: For these reasons, this variant has been classified as Pathogenic. This premature translational stop signal has been observed in individual(s) with craniosynostosis (PMID: 29215649). This variant is not present in population databases (gnomAD no frequency). This sequence change creates a premature translational stop signal (p.Glu623*) in the TCF12 gene. It is expected to result in an absent or disrupted protein product. Loss-of-function variants in TCF12 are known to be pathogenic (PMID: 23354436, 32620954).

Literature cited by the submitters: PubMed 29215649; PubMed 23354436; PubMed 32620954.